The following is an entry in ClinVar:

NM_001244008.2(KIF1A):c.425T>G (p.Val142Gly)

Gene: KIF1A (kinesin family member 1A; minus strand). Cytogenetic location: 2q37.3.
Variant type: single nucleotide variant.
Coding change: c.425T>G on transcript NM_001244008.2 (MANE Select); coding-DNA position 425, T replaced by G.
Protein change: p.Val142Gly; replaces valine 142 with glycine.
Molecular consequence: missense variant.
Genome position (GRCh38, 1-based): chr2:240,787,255, A>C on the plus strand (T>G on the coding strand, the complement: KIF1A is on the minus strand). VCF-style: chr2-240787255-A-C. GRCh37 (hg19) VCF-style: chr2-241726672-A-C.
Other names: c.425T>G, p.Val142Gly (NM_001320705.2, NM_001379641.1, NM_001379642.1 and 20 more transcripts); short protein forms V142G.
Identifiers: ClinVar variation 3902955 (VCV003902955.2).

ClinVar aggregate classification (germline): Uncertain significance (1 of 4 stars; one submission).

Submission:

GeneDx
Classification: Uncertain significance. Last evaluated: 2026-08-07. Review status: criteria provided, single submitter. Criteria: GeneDx Variant Classification Process June 2021. Collection method: clinical testing. Allele origin: germline.
Comment: Not observed at significant frequency in large population cohorts (gnomAD); In silico analysis supports that this missense variant has a deleterious effect on protein structure/function; Has not been previously published as pathogenic or benign to our knowledge; This variant is associated with the following publications: (PMID: 26125038, 21820098, 21376300)